The following is an entry in ClinVar:

NM_001267550.2(TTN):c.82193del (p.Gly27398fs)

Genes: TTN (titin; minus strand), TTN-AS1 (TTN antisense RNA 1; plus strand). Cytogenetic location: 2q31.2.
Variant type: Deletion.
Coding change: c.82193del on transcript NM_001267550.2 (MANE Select); coding-DNA position 82193, one base deleted (G; older notation c.82193delG).
Protein change: p.Gly27398fs; shifts the reading frame from glycine 27398.
Molecular consequence: frameshift variant.
Genome position (GRCh38, 1-based): chr2:178,563,939, C deleted on the plus strand (G on the coding strand, the reverse complement: TTN is on the minus strand); the first of 2 consecutive C bases (chr2:178,563,939-178,563,940); deleting either gives the same sequence. VCF-style (leftmost placement, unchanged base first): chr2-178563938-AC-A. GRCh37 (hg19) VCF-style: chr2-179428665-AC-A.
Other names: c.77270del, p.Gly25757fs (NM_001256850.1); c.54998del, p.Gly18333fs (NM_003319.4); c.74489del, p.Gly24830fs (NM_133378.4); c.55373del, p.Gly18458fs (NM_133432.3); c.55574del, p.Gly18525fs (NM_133437.4); c.77270delG (NM_001256850.1); short protein forms G24830fs, G18333fs, G18525fs, G25757fs, G18458fs, G27398fs.
Identifiers: ClinVar variation 421760 (VCV000421760.7), dbSNP rs1064795346, ClinGen allele CA16617345.

ClinVar aggregate classification (germline): Likely pathogenic. Review status: criteria provided, multiple submitters, no conflicts (2 of 4 stars). 2 submissions from 2 submitters: Likely pathogenic (2). Last evaluated 2022-06-22.

Conditions:
Dilated cardiomyopathy 1G (CMD1G). Identifiers: Orphanet 154, MedGen C1858763, MONDO:0011400, OMIM 604145.
Autosomal recessive limb-girdle muscular dystrophy type 2J (LGMDR10). Also called: MUSCULAR DYSTROPHY, LIMB-GIRDLE, AUTOSOMAL RECESSIVE 10; Limb-girdle muscular dystrophy, type 2J. Identifiers: Orphanet 140922, MedGen C1837342, MONDO:0012127, OMIM 608807.

Submissions (2):

Labcorp Genetics (formerly Invitae), Labcorp
Classification: Likely pathogenic for Dilated cardiomyopathy 1G; Autosomal recessive limb-girdle muscular dystrophy type 2J. Last evaluated: 2022-06-22. Review status: criteria provided, single submitter. Criteria: Invitae Variant Classification Sherloc (09022015). Collection method: clinical testing. Allele origin: germline.
Comment: In summary, the currently available evidence indicates that the variant is pathogenic, but additional data are needed to prove that conclusively. Therefore, this variant has been classified as Likely Pathogenic. This variant is located in the A band of TTN (PMID: 25589632). Truncating variants in this region are significantly overrepresented in patients affected with dilated cardiomyopathy (PMID: 25589632). Truncating variants in this region have also been reported in individuals affected with autosomal recessive centronuclear myopathy (PMID: 23975875). ClinVar contains an entry for this variant (Variation ID: 421760). This variant has not been reported in the literature in individuals affected with TTN-related conditions. This variant is not present in population databases (gnomAD no frequency). This sequence change creates a premature translational stop signal (p.Gly27398Valfs*50) in the TTN gene. While this is not anticipated to result in nonsense mediated decay, it is expected to create a truncated TTN protein.

GeneDx
Classification: Likely pathogenic. Last evaluated: 2018-01-29. Review status: criteria provided, single submitter. Criteria: GeneDx Variant Classification (06012015). Collection method: clinical testing. Allele origin: germline. Affected: yes.
Comment: The c.77270delG likely pathogenic variant in the TTN gene has not been reported previously as a pathogenic variant or as a benign variant, to our knowledge. The c.77270delG variant causes a shift in reading frame starting at codon glycine 25757, changing it to a valine, and creating a premature stop codon at position 50 of the new reading frame, denoted p.Gly25757ValfsX50. This likely pathogenic variant is expected to result in either an abnormal, truncated protein product or loss of protein from this allele through nonsense-mediated mRNA decay. Other truncating TTN variants have been reported in approximately 3% of control alleles (Herman et al., 2012). However, c.77270delG is located in the A-band region of titin, where the majority of truncating pathogenic variants associated with DCM have been reported (Herman et al., 2012). Furthermore, c.77270delG is not observed in large population cohorts (Lek et al., 2016; 1000 Genomes Consortium et al., 2015; Exome Variant Server).

Literature cited by the submitters: PubMed 25589632 (cited by Labcorp Genetics (formerly Invitae), Labcorp); PubMed 23975875 (cited by Labcorp Genetics (formerly Invitae), Labcorp).